The following is an entry in ClinVar:

ClinVar aggregate classification (germline): Benign/Likely benign. Review status: criteria provided, multiple submitters, no conflicts (2 of 4 stars). 16 submissions from 16 submitters: Benign (10); Likely benign (1). 5 of the submissions do not count toward it. Last evaluated 2026-02-04.

Conditions:
Renal tubular acidosis with progressive nerve deafness. Also called: RENAL TUBULAR ACIDOSIS, AUTOSOMAL RECESSIVE, WITH PROGRESSIVE NERVE DEAFNESS; RTA WITH PROGRESSIVE NERVE DEAFNESS; Distal Renal Tubular Acidosis with Progressive Sensorineural Deafness; renal tubular acidosis, distal, 2, with progressive sensorineural hearing loss. Identifiers: MedGen C0403554, MONDO:0009968, OMIM 267300.

Allele frequency attached by ClinVar (database versions not stated): gnomAD 0.02502 and 0.02606; gnomAD exomes 0.02998 and 0.02479; TOPMed 0.02217; 1000 Genomes Project 30x 0.02873; 1000 Genomes Project 0.02895; ExAC 0.03063; ESP Exome Variant Server 0.02322.
gnomAD v4.1: 40,412 of 1,614,138 alleles (2.5%); highest among the groups gnomAD compares: South Asian, 7.1%; 794 homozygotes.

Submissions (16):

Labcorp Genetics (formerly Invitae), Labcorp
Classification: Benign. Last evaluated: 2026-02-04. Review status: criteria provided, single submitter. Criteria: Invitae Variant Classification Sherloc (09022015). Collection method: clinical testing. Allele origin: germline.

Blueprint Genetics
Classification: Likely benign. Last evaluated: 2024-11-26. Review status: criteria provided, single submitter. Criteria: ACMG Guidelines, 2015. Collection method: clinical testing. Allele origin: germline.

Mayo Clinic Laboratories, Mayo Clinic
Classification: Benign. Last evaluated: 2024-08-14. Review status: criteria provided, single submitter. Criteria: ACMG Guidelines, 2015. Collection method: clinical testing. Allele origin: germline. Observed: 15 variant alleles.
Comment: BA1, BS2, BP2, BP4

Women's Health and Genetics/Laboratory Corporation of America, LabCorp
Classification: Benign. Last evaluated: 2023-03-15. Review status: criteria provided, single submitter. Criteria: LabCorp Variant Classification Summary - May 2015. Collection method: clinical testing. Allele origin: germline.
Comment: Variant summary: ATP6V1B1 c.481G>A (p.Glu161Lys) results in a conservative amino acid change in the encoded protein sequence. Four of five in-silico tools predict a benign effect of the variant on protein function. The variant allele was found at a frequency of 0.03 in 251352 control chromosomes in the gnomAD database, including 191 homozygotes. The observed variant frequency is approximately 27-fold of the estimated maximal expected allele frequency for a pathogenic variant in ATP6V1B1 causing Renal Tubular Acidosis With Progressive Nerve Deafness phenotype (0.0011), strongly suggesting that the variant is benign. To our knowledge, no penetrant association of c.481G>A with Renal Tubular Acidosis With Progressive Nerve Deafness has been reported. Nine submitters have provided clinical-significance assessments for this variant to ClinVar after 2014. The majority classified the variant as benign (n=8), and one classified it as likely pathogenic. Based on the evidence outlined above, the variant was classified as benign.

Department of Pathology and Laboratory Medicine, Sinai Health System
Classification: Benign for renal tubular acidosis, distal, 2, with progressive sensorineural hearing loss. Last evaluated: 2023-02-06. Review status: criteria provided, single submitter. Criteria: ACMG Guidelines, 2015. Collection method: research. Allele origin: germline.

Genome-Nilou Lab
Classification: Benign for Renal tubular acidosis with progressive nerve deafness. Last evaluated: 2021-07-10. Review status: criteria provided, single submitter. Criteria: ACMG Guidelines, 2015. Collection method: clinical testing. Allele origin: germline. Affected: no.

Athena Diagnostics
Classification: Benign. Last evaluated: 2018-11-12. Review status: criteria provided, single submitter. Criteria: Athena Diagnostics Criteria. Collection method: clinical testing. Allele origin: germline.

Illumina Laboratory Services, Illumina
Classification: Benign for Renal tubular acidosis with progressive nerve deafness. Last evaluated: 2018-01-13. Review status: criteria provided, single submitter. Criteria: ICSL Variant Classification Criteria 13 December 2019. Collection method: clinical testing. Allele origin: germline.
Comment: This variant was observed in the ICSL laboratory as part of a predisposition screen in an ostensibly healthy population. It had not been previously curated by ICSL or reported in the Human Gene Mutation Database (HGMD: prior to June 1st, 2018), and was therefore a candidate for classification through an automated scoring system. Utilizing variant allele frequency, disease prevalence and penetrance estimates, and inheritance mode, an automated score was calculated to assess if this variant is too frequent to cause the disease. Based on the score and internal cut-off values, a variant classified as benign is not then subjected to further curation. The score for this variant resulted in a classification of benign for this disease.

GeneDx
Classification: Benign. Last evaluated: 2017-11-06. Review status: criteria provided, single submitter. Criteria: GeneDx Variant Classification (06012015). Collection method: clinical testing. Allele origin: germline. Affected: yes.
Comment: This variant is considered likely benign or benign based on one or more of the following criteria: it is a conservative change, it occurs at a poorly conserved position in the protein, it is predicted to be benign by multiple in silico algorithms, and/or has population frequency not consistent with disease.

Eurofins Ntd Llc (ga)
Classification: Benign. Last evaluated: 2015-01-20. Review status: criteria provided, single submitter. Criteria: EGL Classification Definitions 2015. Collection method: clinical testing. Allele origin: germline. Observed: 1 variant allele, 1 heterozygote.

Laboratory for Molecular Medicine, Mass General Brigham Personalized Medicine
Classification: Benign. Last evaluated: 2012-05-07. Review status: criteria provided, single submitter. Criteria: LMM Criteria. Collection method: clinical testing. Allele origin: germline. Observed: 92 variant alleles.
Comment: Glu161Lys in Exon 06 of ATP6V1B1: This variant is not expected to have clinical significance because it has been identified in 2.4% (90/3738) of African America n chromosomes from a broad population by the NHLBI Exome Sequencing Project (dbSNP rs114234874).

Natera, Inc.
Classification: Benign for Renal tubular acidosis with progressive nerve deafness. Last evaluated: 2020-09-16. Review status: no assertion criteria provided. Collection method: clinical testing. Allele origin: germline. Not counted in ClinVar's aggregate classification.

Counsyl
Classification: Benign for Renal tubular acidosis with progressive nerve deafness. Last evaluated: 2017-03-06. Review status: no assertion criteria provided. Collection method: clinical testing. Allele origin: unknown. Not counted in ClinVar's aggregate classification.

Genome Diagnostics Laboratory, University Medical Center Utrecht
Classification: Benign. Review status: no assertion criteria provided. Collection method: clinical testing. Allele origin: germline. Affected: yes. Study: VKGL Data-share Consensus. Not counted in ClinVar's aggregate classification.

Joint Genome Diagnostic Labs from Nijmegen and Maastricht, Radboudumc and MUMC+
Classification: Likely benign. Review status: no assertion criteria provided. Collection method: clinical testing. Allele origin: germline. Affected: yes. Study: VKGL Data-share Consensus. Not counted in ClinVar's aggregate classification.

Laboratory of Cyto-molecular Genetics, Department of Anatomy, All India Institute of Medical Sciences (AIIMS), New Delhi
Classification: Likely pathogenic for Renal tubular acidosis with progressive nerve deafness. Last evaluated: 2022-03-07. Review status: flagged submission. Criteria: ACMG Guidelines, 2015. Collection method: clinical testing. Allele origin: germline. Affected: yes. Observed: 2 variant alleles. Not counted in ClinVar's aggregate classification.
Comment: p.(Asp161Lys), missense variant
ClinVar note: Reason: Outlier claim with insufficient supporting evidence

Literature cited by the submitters: PubMed 12414817 (cited by Mayo Clinic Laboratories, Mayo Clinic and Counsyl); PubMed 22509993 (cited by Mayo Clinic Laboratories, Mayo Clinic and Counsyl); PubMed 26453614 (cited by Mayo Clinic Laboratories, Mayo Clinic and Counsyl); PubMed 30245029 (cited by Mayo Clinic Laboratories, Mayo Clinic); PubMed 35738466 (cited by Mayo Clinic Laboratories, Mayo Clinic and Laboratory of Cyto-molecular Genetics, Department of Anatomy, All India Institute of Medical Sciences (AIIMS), New Delhi); PubMed 25296721 (cited by Counsyl); PubMed 18368028 (cited by Counsyl).

NM_001692.4(ATP6V1B1):c.481G>A (p.Glu161Lys)

Gene: ATP6V1B1 (ATPase H+ transporting V1 subunit B1; plus strand). Cytogenetic location: 2p13.3.
Variant type: single nucleotide variant.
Coding change: c.481G>A on transcript NM_001692.4 (MANE Select); coding-DNA position 481, G replaced by A.
Protein change: p.Glu161Lys; replaces glutamic acid 161 with lysine.
Molecular consequence: missense variant.
Genome position (GRCh38, 1-based): chr2:70,959,974, G>A. VCF-style: chr2-70959974-G-A. GRCh37 (hg19) VCF-style: chr2-71187104-G-A.
Other names: short protein forms E161K.
Identifiers: ClinVar variation 44229 (VCV000044229.35), dbSNP rs114234874, ClinGen allele CA133786.